The following is an entry in ClinVar:

ClinVar aggregate classification (germline): Uncertain significance (1 of 4 stars; one submission).

Allele frequency attached by ClinVar (database versions not stated): TOPMed below 0.00001.

Submission:

CeGaT Center for Human Genetics Tuebingen
Classification: Uncertain significance. Last evaluated: 2022-07-01. Review status: criteria provided, single submitter. Criteria: CeGaT Center For Human Genetics Tuebingen Variant Classification Criteria Version 2. Collection method: clinical testing. Allele origin: germline. Affected: yes. Observed: 1 variant allele.
Comment: CIC: PM2

NM_001386298.1(CIC):c.2284G>T (p.Ala762Ser)

Gene: CIC (capicua transcriptional repressor; plus strand). Cytogenetic location: 19q13.2.
Variant type: single nucleotide variant.
Coding change: c.2284G>T on transcript NM_001386298.1 (MANE Select); coding-DNA position 2284, G replaced by T.
Protein change: p.Ala762Ser; replaces alanine 762 with serine.
Molecular consequence: missense variant.
Genome position (GRCh38, 1-based): chr19:42,274,067, G>T. VCF-style: chr19-42274067-G-T. GRCh37 (hg19) VCF-style: chr19-42778219-G-T.
Other names: c.2284G>T, p.Ala762Ser (NM_001304815.2, NM_001379480.1, NM_001379482.1 and 1 more transcripts); short protein forms A762S.
Identifiers: ClinVar variation 2649966 (VCV002649966.24), dbSNP rs1008819834, ClinGen allele CA308615785.
Genomic context (GRCh38, chr19:42,274,067, plus strand): 5'-AGTGACAGCTTAGACTCTGGTGTGGACTCAGTGTCCCACACACCTACACCCTCCACGCCG[G>T]CTGGCTTCCGGGCCGTGTCCCCTGCTGTGCCCTTCTCTCGCTCCCGCCAGCCCTCACCAT-3'
Protein context (NP_001373227.1, residues 752-772): VSHTPTPSTP[Ala762Ser]GFRAVSPAVP